The following is an entry in ClinVar:

NM_014159.7(SETD2):c.1145A>T (p.Lys382Ile)

Gene: SETD2 (SET domain containing 2, histone lysine methyltransferase; minus strand). Cytogenetic location: 3p21.31.
Variant type: single nucleotide variant.
Coding change: c.1145A>T on transcript NM_014159.7 (MANE Select); coding-DNA position 1145, A replaced by T.
Protein change: p.Lys382Ile; replaces lysine 382 with isoleucine.
Molecular consequence: missense variant. On other transcripts: non-coding transcript variant (1).
Genome position (GRCh38, 1-based): chr3:47,123,491, T>A on the plus strand (A>T on the coding strand, the complement: SETD2 is on the minus strand). VCF-style: chr3-47123491-T-A. GRCh37 (hg19) VCF-style: chr3-47164981-T-A.
Other names: c.1013A>T, p.Lys338Ile (NM_001349370.3); short protein forms K382I, K338I.
Identifiers: ClinVar variation 424245 (VCV000424245.2), dbSNP rs1064796875, ClinGen allele CA16617977.

ClinVar aggregate classification (germline): Uncertain significance (1 of 4 stars; one submission).

Submission:

GeneDx
Classification: Uncertain significance. Last evaluated: 2017-03-21. Review status: criteria provided, single submitter. Criteria: GeneDx Variant Classification (06012015). Collection method: clinical testing. Allele origin: germline. Affected: yes.
Comment: The K382I variant in the SETD2 gene has not been reported previously as a pathogenic variant, nor as a benign variant, to our knowledge. This variant is not observed in large population cohorts (Lek et al., 2016; 1000 Genomes Consortium et al., 2015; Exome Variant Server). Although this substitution occurs at a position where amino acids with similar properties to Lysine are tolerated across species, the K382I variant is a non-conservative amino acid substitution, which is likely to impact secondary protein structure as these residues differ in polarity, charge, size and/or other properties. In silico analysis predicts this variant is probably damaging to the protein structure/function. We interpret K382I as a variant of uncertain significance.